The following is an entry in ClinVar:

NM_002471.4(MYH6):c.5629G>A (p.Val1877Ile)

Gene: MYH6 (myosin heavy chain 6; minus strand). Cytogenetic location: 14q11.2.
Variant type: single nucleotide variant.
Coding change: c.5629G>A on transcript NM_002471.4 (MANE Select); coding-DNA position 5629, G replaced by A.
Protein change: p.Val1877Ile; replaces valine 1877 with isoleucine.
Molecular consequence: missense variant.
Genome position (GRCh38, 1-based): chr14:23,383,257, C>T on the plus strand (G>A on the coding strand, the complement: MYH6 is on the minus strand). VCF-style: chr14-23383257-C-T. GRCh37 (hg19) VCF-style: chr14-23852466-C-T.
Other names: short protein forms V1877I.
Identifiers: ClinVar variation 2305939 (VCV002305939.3), dbSNP rs2502132277, ClinGen allele CA388983151.

ClinVar aggregate classification (germline): Uncertain significance. Review status: criteria provided, multiple submitters, no conflicts (2 of 4 stars). 2 submissions from 2 submitters: Uncertain significance (2). Last evaluated 2025-02-18.

Conditions:
Cardiovascular phenotype. Identifiers: MedGen CN230736.
MYH6-related disorder. Also called: MYH6-related condition; MYH6-Related Disorders.

Allele frequency attached by ClinVar (database versions not stated): gnomAD exomes below 0.00001.
gnomAD v4.1: 1 of 1,497,824 alleles (0.000067%); highest among the groups gnomAD compares: Non-Finnish European, 0.00009%; no homozygotes.

Submissions (2):

PreventionGenetics, part of Exact Sciences
Classification: Uncertain significance for MYH6-related condition. Last evaluated: 2025-02-18. Review status: criteria provided, single submitter. Criteria: ACMG Guidelines, 2015. Collection method: clinical testing. Allele origin: germline.
Comment: The MYH6 c.5629G>A variant is predicted to result in the amino acid substitution p.Val1877Ile. This variant has been reported as a variant of uncertain significance in an individual with arrhythmogenic cardiomyopathy (Mazzaccara et al. 2022. PubMed ID: 36291626). This variant has not been reported in a large population database (gnomAD), indicating this variant is rare. At this time, the clinical significance of this variant is uncertain due to the absence of conclusive functional and genetic evidence.

Ambry Genetics
Classification: Uncertain significance for Cardiovascular phenotype. Last evaluated: 2022-08-08. Review status: criteria provided, single submitter. Criteria: Ambry Variant Classification Scheme 2023. Collection method: clinical testing. Allele origin: germline.